The following is an entry in ClinVar:

NM_001458.5(FLNC):c.5026G>A (p.Gly1676Arg)

Gene: FLNC (filamin C; plus strand). Cytogenetic location: 7q32.1.
Variant type: single nucleotide variant.
Coding change: c.5026G>A on transcript NM_001458.5 (MANE Select); coding-DNA position 5026, G replaced by A.
Protein change: p.Gly1676Arg; replaces glycine 1676 with arginine.
Molecular consequence: missense variant.
Genome position (GRCh38, 1-based): chr7:128,849,405, G>A. VCF-style: chr7-128849405-G-A. GRCh37 (hg19) VCF-style: chr7-128489459-G-A.
Other names: c.5026G>A, p.Gly1676Arg (NM_001127487.2); short protein forms G1676R.
Identifiers: ClinVar variation 643537 (VCV000643537.12), dbSNP rs1585164542, ClinGen allele CA369204016.

ClinVar aggregate classification (germline): Uncertain significance. Review status: criteria provided, multiple submitters, no conflicts (2 of 4 stars). 2 submissions from 2 submitters: Uncertain significance (2). Last evaluated 2024-02-13.

Conditions:
Distal myopathy with posterior leg and anterior hand involvement. Also called: WILLIAMS DISTAL MYOPATHY. Identifiers: Orphanet 63273, MedGen C3279722, MONDO:0013550, OMIM 614065.
Myofibrillar myopathy 5. Also called: FILAMINOPATHY, AUTOSOMAL DOMINANT; Filaminopathy (type). Identifiers: Orphanet 171445, MedGen C1836050, MONDO:0012289, OMIM 609524.
Hypertrophic cardiomyopathy 26. Also called: Cardiomyopathy, familial hypertrophic, 26. Identifiers: Orphanet 75249, MedGen C4310749, MONDO:0014883, OMIM 617047.

Submissions (2):

GeneDx
Classification: Uncertain significance. Last evaluated: 2024-02-13. Review status: criteria provided, single submitter. Criteria: GeneDx Variant Classification Process June 2021. Collection method: clinical testing. Allele origin: germline. Affected: yes.
Comment: Has been reported in at least one patient with restrictive cardiomyopathy in the peer reviewed published literature (PMID: 37937352); Not observed at significant frequency in large population cohorts (gnomAD); In silico analysis supports that this missense variant has a deleterious effect on protein structure/function; This variant is associated with the following publications: (PMID: Nagy2023[preprint], 37937352)

Labcorp Genetics (formerly Invitae), Labcorp
Classification: Uncertain significance for Distal myopathy with posterior leg and anterior hand involvement; Myofibrillar myopathy 5; Hypertrophic cardiomyopathy 26. Last evaluated: 2023-11-10. Review status: criteria provided, single submitter. Criteria: Invitae Variant Classification Sherloc (09022015). Collection method: clinical testing. Allele origin: germline.
Comment: This sequence change replaces glycine, which is neutral and non-polar, with arginine, which is basic and polar, at codon 1676 of the FLNC protein (p.Gly1676Arg). This variant is not present in population databases (gnomAD no frequency). This variant has not been reported in the literature in individuals affected with FLNC-related conditions. ClinVar contains an entry for this variant (Variation ID: 643537). Advanced modeling of protein sequence and biophysical properties (such as structural, functional, and spatial information, amino acid conservation, physicochemical variation, residue mobility, and thermodynamic stability) has been performed at Invitae for this missense variant, however the output from this modeling did not meet the statistical confidence thresholds required to predict the impact of this variant on FLNC protein function. In summary, the available evidence is currently insufficient to determine the role of this variant in disease. Therefore, it has been classified as a Variant of Uncertain Significance.